The following is an entry in ClinVar:

NM_012216.4(MID2):c.1829A>G (p.Lys610Arg)

Genes: MID2 (midline 2; plus strand), LOC101928335 (uncharacterized LOC101928335; minus strand). Cytogenetic location: Xq22.3.
Variant type: single nucleotide variant.
Coding change: c.1829A>G on transcript NM_012216.4 (MANE Select); coding-DNA position 1829, A replaced by G.
Protein change: p.Lys610Arg; replaces lysine 610 with arginine.
Molecular consequence: missense variant.
Genome position (GRCh38, 1-based): chrX:107,926,694, A>G. VCF-style: chrX-107926694-A-G. GRCh37 (hg19) VCF-style: chrX-107169924-A-G.
Other names: c.1769A>G, p.Lys590Arg (NM_001382751.1); c.1679A>G, p.Lys560Arg (NM_001382752.1); c.1739A>G, p.Lys580Arg (NM_052817.3); short protein forms K560R, K580R, K590R, K610R.
Identifiers: ClinVar variation 2290898 (VCV002290898.3), dbSNP rs1170589314, ClinGen allele CA413899742.

ClinVar aggregate classification (germline): Conflicting classifications of pathogenicity. Review status: criteria provided, conflicting classifications (1 of 4 stars). 2 submissions from 2 submitters: Uncertain significance (1); Likely benign (1). Last evaluated 2023-03-07.

Allele frequency attached by ClinVar (database versions not stated): TOPMed below 0.00001; gnomAD 0.00001.

Submissions (2):

GeneDx
Classification: Likely benign. Last evaluated: 2023-03-07. Review status: criteria provided, single submitter. Criteria: GeneDx Variant Classification Process June 2021. Collection method: clinical testing. Allele origin: germline. Affected: yes.
Comment: See Variant Classification Assertion Criteria.

Ambry Genetics
Classification: Uncertain significance. Last evaluated: 2022-05-25. Review status: criteria provided, single submitter. Criteria: Ambry Variant Classification Scheme 2023. Collection method: clinical testing. Allele origin: germline.